The following is an entry in ClinVar:

ClinVar aggregate classification (germline): Uncertain significance (1 of 4 stars; one submission).

Conditions:
Neurofibromatosis, type 1 (NF1). Also called: Neurofibromatosis, type I; NEUROFIBROMATOSIS, TYPE I, SOMATIC; Peripheral type neurofibromatosis; VON RECKLINGHAUSEN DISEASE. Identifiers: Orphanet 636, MedGen C0027831, MONDO:0018975, OMIM 162200. Disease mechanism: loss of function.

Submission:

Labcorp Genetics (formerly Invitae), Labcorp
Classification: Uncertain significance for Neurofibromatosis, type 1. Last evaluated: 2023-06-23. Review status: criteria provided, single submitter. Criteria: Invitae Variant Classification Sherloc (09022015). Collection method: clinical testing. Allele origin: germline.
Comment: This sequence change replaces glutamine, which is neutral and polar, with histidine, which is basic and polar, at codon 11 of the NF1 protein (p.Gln11His). This variant is not present in population databases (gnomAD no frequency). This variant has not been reported in the literature in individuals affected with NF1-related conditions. Advanced modeling of protein sequence and biophysical properties (such as structural, functional, and spatial information, amino acid conservation, physicochemical variation, residue mobility, and thermodynamic stability) has been performed at Invitae for this missense variant, however the output from this modeling did not meet the statistical confidence thresholds required to predict the impact of this variant on NF1 protein function. In summary, the available evidence is currently insufficient to determine the role of this variant in disease. Therefore, it has been classified as a Variant of Uncertain Significance.

NM_001042492.3(NF1):c.33G>C (p.Gln11His)

Genes: MIR4733HG (MIR4733 host gene; minus strand), NF1 (neurofibromin 1; plus strand), LOC111811965 (NF1 (neurofibromin 1) promoter region; plus strand). Cytogenetic location: 17q11.2.
Variant type: single nucleotide variant.
Coding change: c.33G>C on transcript NM_001042492.3 (MANE Select); coding-DNA position 33, G replaced by C.
Protein change: p.Gln11His; replaces glutamine 11 with histidine.
Molecular consequence: missense variant. On other transcripts: non-coding transcript variant (1).
Genome position (GRCh38, 1-based): chr17:31,095,342, G>C. VCF-style: chr17-31095342-G-C. GRCh37 (hg19) VCF-style: chr17-29422360-G-C.
Other names: c.33G>C, p.Gln11His (NM_000267.4, NM_001128147.3); short protein forms Q11H.
Identifiers: ClinVar variation 2726078 (VCV002726078.3), dbSNP rs1431112645, ClinGen allele CA398979298.